The following is an entry in ClinVar:

NM_003477.3(PDHX):c.1311del (p.Cys438fs)

Gene: PDHX (pyruvate dehydrogenase complex component X; plus strand). Cytogenetic location: 11p13.
Variant type: Deletion.
Coding change: c.1311del on transcript NM_003477.3 (MANE Select); coding-DNA position 1311, one base deleted (C; older notation c.1311delC).
Protein change: p.Cys438fs; shifts the reading frame from cysteine 438.
Molecular consequence: frameshift variant.
Genome position (GRCh38, 1-based): chr11:34,994,977, C deleted; the last of 2 consecutive C bases (chr11:34,994,976-34,994,977); deleting either gives the same sequence. VCF-style (leftmost placement, unchanged base first): chr11-34994975-GC-G. GRCh37 (hg19) VCF-style: chr11-35016522-GC-G.
Other names: c.1131del, p.Cys378fs (NM_001135024.2); c.630del, p.Cys211fs (NM_001166158.2); short protein forms C211fs, C378fs, C438fs.
Identifiers: ClinVar variation 3679976 (VCV003679976.2).

ClinVar aggregate classification (germline): Pathogenic (1 of 4 stars; one submission).

Submission:

Labcorp Genetics (formerly Invitae), Labcorp
Classification: Pathogenic. Last evaluated: 2024-02-23. Review status: criteria provided, single submitter. Criteria: Invitae Variant Classification Sherloc (09022015). Collection method: clinical testing. Allele origin: germline.
Comment: This sequence change creates a premature translational stop signal (p.Cys438Alafs*12) in the PDHX gene. While this is not anticipated to result in nonsense mediated decay, it is expected to disrupt the last 64 amino acid(s) of the PDHX protein. This variant is not present in population databases (gnomAD no frequency). This variant has not been reported in the literature in individuals affected with PDHX-related conditions. This variant disrupts a region of the PDHX protein in which other variant(s) (p.Arg446*) have been determined to be pathogenic (PMID: 16904023, 25087164). This suggests that this is a clinically significant region of the protein, and that variants that disrupt it are likely to be disease-causing. For these reasons, this variant has been classified as Pathogenic.

Literature cited by the submitters: PubMed 16904023; PubMed 25087164.